The following is an entry in ClinVar:

NM_018993.4(RIN2):c.-36-2886C>G

Gene: RIN2 (Ras and Rab interactor 2; plus strand). Cytogenetic location: 20p11.23.
Variant type: single nucleotide variant.
Coding change: c.-36-2886C>G on transcript NM_018993.4 (MANE Select); 2886 bases into the intron before 36 bases upstream of the start codon, C replaced by G.
Molecular consequence: intron variant. On other transcripts: nonsense (1).
Genome position (GRCh38, 1-based): chr20:19,886,680, C>G. VCF-style: chr20-19886680-C-G. GRCh37 (hg19) VCF-style: chr20-19867324-C-G.
Other names: c.11C>G, p.Ser4Ter (NM_001242581.2); c.-581-2886C>G (NM_001378238.1); short protein forms S4*.
Identifiers: ClinVar variation 1916938 (VCV001916938.3), dbSNP rs1274205552, ClinGen allele CA408482427.

ClinVar aggregate classification (germline): Uncertain significance (1 of 4 stars; one submission).

Allele frequency attached by ClinVar (database versions not stated): TOPMed 0.00001.
gnomAD v4.1: 6 of 1,502,564 alleles (0.0004%); highest among the groups gnomAD compares: Non-Finnish European, 0.00045%; no homozygotes.

Submission:

Labcorp Genetics (formerly Invitae), Labcorp
Classification: Uncertain significance. Last evaluated: 2022-11-28. Review status: criteria provided, single submitter. Criteria: Invitae Variant Classification Sherloc (09022015). Collection method: clinical testing. Allele origin: germline.
Comment: The RIN2 gene has multiple clinically relevant transcripts. This variant occurs in alternate transcript NM_001242581.1, and corresponds to NM_018993.3:c.-2922C>G in the primary transcript. In summary, the available evidence is currently insufficient to determine the role of this variant in disease. Therefore, it has been classified as a Variant of Uncertain Significance. This variant has not been reported in the literature in individuals affected with RIN2-related conditions. This variant is present in population databases (no rsID available, gnomAD 0.002%). This sequence change results in a premature translational stop signal in the RIN2 gene (p.Ser4*). However, it is currently unclear if variants that occur in this region of the gene cause disease.